The following is an entry in ClinVar:

NM_000287.4(PEX6):c.915C>G (p.Asp305Glu)

Gene: PEX6 (peroxisomal biogenesis factor 6; minus strand). Cytogenetic location: 6p21.1.
Variant type: single nucleotide variant.
Coding change: c.915C>G on transcript NM_000287.4 (MANE Select); coding-DNA position 915, C replaced by G.
Protein change: p.Asp305Glu; replaces aspartic acid 305 with glutamic acid.
Molecular consequence: missense variant. On other transcripts: non-coding transcript variant (1).
Genome position (GRCh38, 1-based): chr6:42,975,006, G>C on the plus strand (C>G on the coding strand, the complement: PEX6 is on the minus strand). VCF-style: chr6-42975006-G-C. GRCh37 (hg19) VCF-style: chr6-42942744-G-C.
Other names: c.651C>G, p.Asp217Glu (NM_001316313.2); short protein forms D305E, D217E.
Identifiers: ClinVar variation 2126731 (VCV002126731.4), dbSNP rs2481258736, ClinGen allele CA364160177.

ClinVar aggregate classification (germline): Uncertain significance (1 of 4 stars; one submission).

Conditions:
Peroxisome biogenesis disorder. Identifiers: Orphanet 79189, MedGen C1832200, MONDO:0019234. Disease mechanism: loss of function.

Allele frequency attached by ClinVar (database versions not stated): gnomAD exomes below 0.00001.

Submission:

Labcorp Genetics (formerly Invitae), Labcorp
Classification: Uncertain significance for Peroxisome biogenesis disorder. Last evaluated: 2025-10-04. Review status: criteria provided, single submitter. Criteria: Invitae Variant Classification Sherloc (09022015). Collection method: clinical testing. Allele origin: germline.
Comment: This sequence change replaces aspartic acid, which is acidic and polar, with glutamic acid, which is acidic and polar, at codon 305 of the PEX6 protein (p.Asp305Glu). This variant is not present in population databases (gnomAD no frequency). This variant has not been reported in the literature in individuals affected with PEX6-related conditions. ClinVar contains an entry for this variant (Variation ID: 2126731). Invitae Evidence Modeling of protein sequence and biophysical properties (such as structural, functional, and spatial information, amino acid conservation, physicochemical variation, residue mobility, and thermodynamic stability) indicates that this missense variant is not expected to disrupt PEX6 protein function with a negative predictive value of 95%. In summary, the available evidence is currently insufficient to determine the role of this variant in disease. Therefore, it has been classified as a Variant of Uncertain Significance.